The following is an entry in ClinVar:

ClinVar aggregate classification (germline): Uncertain significance (1 of 4 stars; one submission).

Conditions:
Left ventricular noncompaction 8 (LVNC8). Identifiers: Orphanet 154, Orphanet 54260, MedGen C3809288, MONDO:0014152, OMIM 615373.

Allele frequency attached by ClinVar (database versions not stated): gnomAD 0.00002 and 0.00003; gnomAD exomes 0.00002 and 0.00003; TOPMed 0.00003; ESP Exome Variant Server 0.00008; 1000 Genomes Project 30x 0.00016; 1000 Genomes Project 0.00020; ExAC 0.00002.
gnomAD v4.1: 43 of 1,614,062 alleles (0.0027%); highest among the groups gnomAD compares: Non-Finnish European, 0.0034%; no homozygotes.

Submission:

Labcorp Genetics (formerly Invitae), Labcorp
Classification: Uncertain significance for Left ventricular noncompaction 8. Last evaluated: 2023-12-06. Review status: criteria provided, single submitter. Criteria: Invitae Variant Classification Sherloc (09022015). Collection method: clinical testing. Allele origin: germline.
Comment: This sequence change replaces proline, which is neutral and non-polar, with serine, which is neutral and polar, at codon 467 of the PRDM16 protein (p.Pro467Ser). This variant is present in population databases (rs370407029, gnomAD 0.003%). This variant has not been reported in the literature in individuals affected with PRDM16-related conditions. ClinVar contains an entry for this variant (Variation ID: 943381). Algorithms developed to predict the effect of missense changes on protein structure and function output the following: SIFT: "Not Available"; PolyPhen-2: "Benign"; Align-GVGD: "Not Available". The serine amino acid residue is found in multiple mammalian species, which suggests that this missense change does not adversely affect protein function. In summary, the available evidence is currently insufficient to determine the role of this variant in disease. Therefore, it has been classified as a Variant of Uncertain Significance.

NM_022114.4(PRDM16):c.1399C>T (p.Pro467Ser)

Gene: PRDM16 (PR/SET domain 16; plus strand). Cytogenetic location: 1p36.32.
Variant type: single nucleotide variant.
Coding change: c.1399C>T on transcript NM_022114.4 (MANE Select); coding-DNA position 1399, C replaced by T.
Protein change: p.Pro467Ser; replaces proline 467 with serine.
Molecular consequence: missense variant.
Genome position (GRCh38, 1-based): chr1:3,411,596, C>T. VCF-style: chr1-3411596-C-T. GRCh37 (hg19) VCF-style: chr1-3328160-C-T.
Other names: c.1399C>T, p.Pro467Ser (NM_199454.3); short protein forms P467S.
Identifiers: ClinVar variation 943381 (VCV000943381.8), dbSNP rs370407029, ClinGen allele CA544183.